The following is an entry in ClinVar:

ClinVar aggregate classification (germline): Uncertain significance. Review status: criteria provided, multiple submitters, no conflicts (2 of 4 stars). 2 submissions from 2 submitters: Uncertain significance (2). Last evaluated 2025-03-01.

Submissions (2):

CeGaT Center for Human Genetics Tuebingen
Classification: Uncertain significance. Last evaluated: 2025-03-01. Review status: criteria provided, single submitter. Criteria: CeGaT Center For Human Genetics Tuebingen Variant Classification Criteria Version 2. Collection method: clinical testing. Allele origin: germline. Affected: yes. Observed: 1 variant allele.
Comment: TPM1: PM2, PP2, PP3

Blueprint Genetics
Classification: Uncertain significance. Last evaluated: 2021-12-22. Review status: criteria provided, single submitter. Criteria: ACMG Guidelines, 2015. Collection method: clinical testing. Allele origin: germline.

NM_001018005.2(TPM1):c.677A>C (p.Lys226Thr)

Gene: TPM1 (tropomyosin 1; plus strand). Cytogenetic location: 15q22.2.
Variant type: single nucleotide variant.
Coding change: c.677A>C on transcript NM_001018005.2 (MANE Select); coding-DNA position 677, A replaced by C.
Protein change: p.Lys226Thr; replaces lysine 226 with threonine.
Molecular consequence: missense variant. On other transcripts: non-coding transcript variant (17).
Genome position (GRCh38, 1-based): chr15:63,062,252, A>C. VCF-style: chr15-63062252-A-C. GRCh37 (hg19) VCF-style: chr15-63354451-A-C.
Other names: c.677A>C, p.Lys226Thr (NM_000366.6, NM_001018004.2, NM_001018006.2 and 20 more transcripts); c.569A>C, p.Lys190Thr (NM_001018008.2, NM_001301289.2, NM_001330344.2 and 9 more transcripts); c.803A>C, p.Lys268Thr (NM_001365778.1, NM_001407322.1, NM_001407323.1 and 1 more transcripts); short protein forms K190T, K226T, K268T.
Identifiers: ClinVar variation 3778407 (VCV003778407.8).
Genomic context (GRCh38, chr15:63,062,252, plus strand): 5'-TGGAATGCTCTTTCTAATTACAGTACTCGCAGAAGGAAGACAGATATGAGGAAGAGATCA[A>C]GGTCCTTTCCGACAAGCTGAAGGAGGTAATATGAGAGTTGTGGATGAAGCCAACTGGATT-3'
Protein context (NP_001018005.1, residues 216-236): QKEDRYEEEI[Lys226Thr]VLSDKLKEAE